The following is an entry in ClinVar:

NM_020433.5(JPH2):c.1867G>C (p.Glu623Gln)

Gene: JPH2 (junctophilin 2; minus strand). Cytogenetic location: 20q13.12.
Variant type: single nucleotide variant.
Coding change: c.1867G>C on transcript NM_020433.5 (MANE Select); coding-DNA position 1867, G replaced by C.
Protein change: p.Glu623Gln; replaces glutamic acid 623 with glutamine.
Molecular consequence: missense variant.
Genome position (GRCh38, 1-based): chr20:44,115,808, C>G on the plus strand (G>C on the coding strand, the complement: JPH2 is on the minus strand). VCF-style: chr20-44115808-C-G. GRCh37 (hg19) VCF-style: chr20-42744448-C-G.
Other names: short protein forms E623Q.
Identifiers: ClinVar variation 940676 (VCV000940676.13), dbSNP rs750828996, ClinGen allele CA9868577.
Genomic context (GRCh38, chr20:44,115,808, plus strand): 5'-GAGCCTCAGTCTTGCGGGCCTTGGCCCTGGGCTCGGCTTTGGGGATGATGGGCTTGGGCT[C>G]CAGCTTGGCGGGGGTCTCGCGTGCAGGCTCGGGGCCTCGGAGCGTGGGGGCCTGCAGCGG-3'
Protein context (NP_065166.2, residues 613-633): EPARETPAKL[Glu623Gln]PKPIIPKAEP

ClinVar aggregate classification (germline): Uncertain significance. Review status: criteria provided, multiple submitters, no conflicts (2 of 4 stars). 3 submissions from 3 submitters: Uncertain significance (3). Last evaluated 2025-12-15.

Conditions:
Hypertrophic cardiomyopathy. Also called: HYPERTROPHIC MYOCARDIOPATHY. Identifiers: Orphanet 217569, MedGen C0007194, MeSH D002312, MONDO:0005045, HP:0001639.
Hypertrophic cardiomyopathy 17. Identifiers: MedGen C3151264, MONDO:0013474, OMIM 613873.
Cardiomyopathy, dilated, 2E. Identifiers: MedGen C5561970, MONDO:0030366, OMIM 619492.
Cardiovascular phenotype. Identifiers: MedGen CN230736.

Allele frequency attached by ClinVar (database versions not stated): TOPMed 0.00001; gnomAD exomes 0.00002 and 0.00003; gnomAD 0.00003; ExAC 0.00007.
gnomAD v4.1: 26 of 1,605,936 alleles (0.0016%); highest among the groups gnomAD compares: Non-Finnish European, 0.0022%; no homozygotes.

Submissions (3):

Ambry Genetics
Classification: Uncertain significance for Cardiovascular phenotype. Last evaluated: 2025-12-15. Review status: criteria provided, single submitter. Criteria: Ambry Variant Classification Scheme 2023. Collection method: clinical testing. Allele origin: germline.

Fulgent Genetics
Classification: Uncertain significance for Hypertrophic cardiomyopathy 17; Cardiomyopathy, dilated, 2E. Last evaluated: 2021-08-13. Review status: criteria provided, single submitter. Criteria: ACMG Guidelines, 2015. Collection method: clinical testing. Allele origin: unknown.

Labcorp Genetics (formerly Invitae), Labcorp
Classification: Uncertain significance for Hypertrophic cardiomyopathy. Last evaluated: 2019-07-22. Review status: criteria provided, single submitter. Criteria: Invitae Variant Classification Sherloc (09022015). Collection method: clinical testing. Allele origin: germline.
Comment: This sequence change replaces glutamic acid with glutamine at codon 623 of the JPH2 protein (p.Glu623Gln). The glutamic acid residue is moderately conserved and there is a small physicochemical difference between glutamic acid and glutamine. This variant is present in population databases (rs750828996, ExAC 0.01%). In summary, the available evidence is currently insufficient to determine the role of this variant in disease. Therefore, it has been classified as a Variant of Uncertain Significance. Algorithms developed to predict the effect of missense changes on protein structure and function (SIFT, PolyPhen-2, Align-GVGD) all suggest that this variant is likely to be tolerated, but these predictions have not been confirmed by published functional studies and their clinical significance is uncertain. This variant has not been reported in the literature in individuals with JPH2-related conditions.